The following is an entry in ClinVar:

ClinVar aggregate classification (germline): Pathogenic/Likely pathogenic. Review status: criteria provided, multiple submitters, no conflicts (2 of 4 stars). 2 submissions from 2 submitters: Pathogenic (1); Likely pathogenic (1). Last evaluated 2024-05-20.

Conditions:
Retinoblastoma (RB1). Also called: RETINOBLASTOMA, SOMATIC. Identifiers: Orphanet 790, MedGen C0035335, MeSH D012175, MONDO:0008380, OMIM 180200, HP:0009919. Disease mechanism: loss of function. Inheritance: Both sporadic and heritable forms are tested..

Submissions (2):

Genetic Diagnostic Laboratory, University of Pennsylvania School of Medicine
Classification: Likely pathogenic for Retinoblastoma. Last evaluated: 2024-05-20. Review status: criteria provided, single submitter. Criteria: ACMG Guidelines, 2015. Collection method: clinical testing. Allele origin: germline. Affected: yes. Observed: 1 variant allele.
Comment: Case and Pedigree Information: BILATERAL CASES:1, UNILATERAL CASES:0, TOTAL CASES:1, PEDIGREES:1. ACMG Codes Applied:PM2, PM5, PP3, PP5

Labcorp Genetics (formerly Invitae), Labcorp
Classification: Pathogenic for Retinoblastoma. Last evaluated: 2018-02-20. Review status: criteria provided, single submitter. Criteria: Invitae Variant Classification Sherloc (09022015). Collection method: clinical testing. Allele origin: germline.
Comment: This sequence change falls in intron 24 of the RB1 gene. It does not directly change the encoded amino acid sequence of the RB1 protein, but it affects a nucleotide within the consensus splice site of the intron. This variant is not present in population databases (ExAC no frequency). This variant has been reported to be de novo in an individual affected with retinoblastoma (PMID: 28193182). This variant is also known as g.170407G>T in the literature. Nucleotide substitutions within the consensus splice site are a relatively common cause of aberrant splicing (PMID: 17576681, 9536098). Algorithms developed to predict the effect of sequence changes on RNA splicing suggest that this variant may disrupt the consensus splice site, but this prediction has not been confirmed by published transcriptional studies. A different variant affecting this nucleotide (c.2520+5G>A) has been determined to be pathogenic (PMID: 15605413). This suggests that this nucleotide is important for normal RNA splicing, and that other variants at this position may also be pathogenic. For these reasons, this variant has been classified as Pathogenic.

Literature cited by the submitters: PubMed 28193182 (cited by Labcorp Genetics (formerly Invitae), Labcorp); PubMed 17576681 (cited by Labcorp Genetics (formerly Invitae), Labcorp); PubMed 9536098 (cited by Labcorp Genetics (formerly Invitae), Labcorp); PubMed 15605413 (cited by Labcorp Genetics (formerly Invitae), Labcorp).

NM_000321.3(RB1):c.2520+5G>T

Gene: RB1 (RB transcriptional corepressor 1; plus strand). Cytogenetic location: 13q14.2.
Variant type: single nucleotide variant.
Coding change: c.2520+5G>T on transcript NM_000321.3 (MANE Select); 5 bases into the intron after coding-DNA position 2520, G replaced by T.
Molecular consequence: intron variant.
Genome position (GRCh38, 1-based): chr13:48,473,395, G>T. VCF-style: chr13-48473395-G-T. GRCh37 (hg19) VCF-style: chr13-49047531-G-T.
Identifiers: ClinVar variation 567155 (VCV000567155.9), dbSNP rs1131690881, ClinGen allele CA891843747.